The following is an entry in ClinVar:

NM_138576.4(BCL11B):c.2458G>A (p.Gly820Ser)

Gene: BCL11B (BCL11 transcription factor B; minus strand). Cytogenetic location: 14q32.2.
Variant type: single nucleotide variant.
Coding change: c.2458G>A on transcript NM_138576.4 (MANE Select); coding-DNA position 2458, G replaced by A.
Protein change: p.Gly820Ser; replaces glycine 820 with serine.
Molecular consequence: missense variant.
Genome position (GRCh38, 1-based): chr14:99,174,378, C>T on the plus strand (G>A on the coding strand, the complement: BCL11B is on the minus strand). VCF-style: chr14-99174378-C-T. GRCh37 (hg19) VCF-style: chr14-99640715-C-T.
Other names: c.2455G>A, p.Gly819Ser (NM_001282237.2); c.2242G>A, p.Gly748Ser (NM_001282238.2); c.2245G>A, p.Gly749Ser (NM_022898.3); short protein forms G748S, G749S, G819S, G820S.
Identifiers: ClinVar variation 2632319 (VCV002632319.1), dbSNP rs1483362967, ClinGen allele CA390933178.

ClinVar aggregate classification (germline): Uncertain significance (1 of 4 stars; one submission).

Conditions:
BCL11B-related disorder. Also called: BCL11B-Related Disorders.

Allele frequency attached by ClinVar (database versions not stated): gnomAD exomes below 0.00001.
gnomAD v4.1: 1 of 1,613,492 alleles (0.000062%); no homozygotes.

Submission:

PreventionGenetics, part of Exact Sciences
Classification: Uncertain significance for BCL11B-related condition. Last evaluated: 2023-08-07. Review status: criteria provided, single submitter. Criteria: ACMG Guidelines, 2015. Collection method: clinical testing. Allele origin: germline.
Comment: The BCL11B c.2245G>A variant is predicted to result in the amino acid substitution p.Gly749Ser. To our knowledge, this variant has not been reported in the literature or in a large population database, indicating this variant is rare. At this time, the clinical significance of this variant is uncertain due to the absence of conclusive functional and genetic evidence.